The following is an entry in ClinVar:

ClinVar aggregate classification (germline): Pathogenic (3 of 4 stars; one submission).

Conditions:
Hereditary thrombocytopenia and hematologic cancer predisposition syndrome. Identifiers: Orphanet 71290, MedGen CN281654, MONDO:0011071.

Submission:

ClinGen Myeloid Malignancy Variant Curation Expert Panel
Classification: Pathogenic for Hereditary thrombocytopenia and hematologic cancer predisposition syndrome. Last evaluated: 2024-03-26. Review status: reviewed by expert panel. Criteria: ClinGen MyeloMalig ACMG Specifications v2. Collection method: curation. Allele origin: germline. Inheritance: Autosomal dominant inheritance.
Comment: GRCh37/hg19 21q22.12(chr21:36164432-36421257)x1 is a CNV which results in a multi-exon deletion (PVS1). Variant is not present in population databases (gnomAD v2.1 or v3.1.2) (PM2_supporting). This variant is a nonsense/frameshift variants that is downstream of c.98 (PM5_Supporting). In summary, this variant meets criteria to be classified as pathogenic. ACMG/AMP criteria applied, as specified by the Myeloid Malignancy Variant Curation Expert Panel for RUNX1: PVS1, PM2_supporting.

NC_000021.8:g.(?_36164432)_(36421257_?)del

Gene: RUNX1 (RUNX family transcription factor 1; minus strand). Cytogenetic location: 21q22.12.
Variant type: Deletion.
Other names: GRCh37/hg19 21q22.12(chr21:36164432-36421257)x1.
Identifiers: ClinVar variation 2665101 (VCV002665101.3).